The following is an entry in ClinVar:

ClinVar aggregate classification (germline): Uncertain significance (1 of 4 stars; one submission).

gnomAD v4.1: 1 of 1,613,956 alleles (0.000062%); highest among the groups gnomAD compares: African/African-American, 0.0013%; no homozygotes.

Submission:

Labcorp Genetics (formerly Invitae), Labcorp
Classification: Uncertain significance. Last evaluated: 2024-11-29. Review status: criteria provided, single submitter. Criteria: Invitae Variant Classification Sherloc (09022015). Collection method: clinical testing. Allele origin: germline.
Comment: This sequence change replaces serine, which is neutral and polar, with cysteine, which is neutral and slightly polar, at codon 242 of the SIX2 protein (p.Ser242Cys). This variant is not present in population databases (gnomAD no frequency). This variant has not been reported in the literature in individuals affected with SIX2-related conditions. An algorithm developed to predict the effect of missense changes on protein structure and function (PolyPhen-2) suggests that this variant is likely to be tolerated. In summary, the available evidence is currently insufficient to determine the role of this variant in disease. Therefore, it has been classified as a Variant of Uncertain Significance.

NM_016932.5(SIX2):c.725C>G (p.Ser242Cys)

Gene: SIX2 (SIX homeobox 2; minus strand). Cytogenetic location: 2p21.
Variant type: single nucleotide variant.
Coding change: c.725C>G on transcript NM_016932.5 (MANE Select); coding-DNA position 725, C replaced by G.
Protein change: p.Ser242Cys; replaces serine 242 with cysteine.
Molecular consequence: missense variant.
Genome position (GRCh38, 1-based): chr2:45,006,321, G>C on the plus strand (C>G on the coding strand, the complement: SIX2 is on the minus strand). VCF-style: chr2-45006321-G-C. GRCh37 (hg19) VCF-style: chr2-45233460-G-C.
Other names: short protein forms S242C.
Identifiers: ClinVar variation 3676045 (VCV003676045.2).